The following is an entry in ClinVar:

NM_138295.5(PKD1L1):c.6310A>T (p.Ser2104Cys)

Gene: PKD1L1 (polycystin 1 like 1, transient receptor potential channel interacting; minus strand). Cytogenetic location: 7p12.3.
Variant type: single nucleotide variant.
Coding change: c.6310A>T on transcript NM_138295.5 (MANE Select); coding-DNA position 6310, A replaced by T.
Protein change: p.Ser2104Cys; replaces serine 2104 with cysteine.
Molecular consequence: missense variant.
Genome position (GRCh38, 1-based): chr7:47,833,117, T>A on the plus strand (A>T on the coding strand, the complement: PKD1L1 is on the minus strand). VCF-style: chr7-47833117-T-A. GRCh37 (hg19) VCF-style: chr7-47872715-T-A.
Other names: short protein forms S2104C.
Identifiers: ClinVar variation 4137513 (VCV004137513.2).

ClinVar aggregate classification (germline): Uncertain significance. Review status: criteria provided, multiple submitters, no conflicts (2 of 4 stars). 2 submissions from 2 submitters: Uncertain significance (2). Last evaluated 2025-11-11.

Conditions:
PKD1L1-related disorder. Also called: PKD1L1-related condition.
Inborn genetic diseases. Identifiers: MedGen C0950123, MeSH D030342.

gnomAD v4.1: 4 of 1,611,328 alleles (0.00025%); highest among the groups gnomAD compares: African/African-American, 0.004%; no homozygotes.

Submissions (2):

PreventionGenetics, part of Exact Sciences
Classification: Uncertain significance for PKD1L1-related condition. Last evaluated: 2025-11-11. Review status: criteria provided, single submitter. Criteria: ACMG Guidelines, 2015. Collection method: clinical testing. Allele origin: germline.
Comment: The PKD1L1 c.6310A>T variant is predicted to result in the amino acid substitution p.Ser2104Cys. To our knowledge, this variant has not been reported in the literature or in a large population database (gnomAD), indicating this variant is rare. At this time, the clinical significance of this variant is uncertain due to the absence of conclusive functional and genetic evidence.

Ambry Genetics
Classification: Uncertain significance for Inborn genetic diseases. Last evaluated: 2025-08-29. Review status: criteria provided, single submitter. Criteria: Ambry Variant Classification Scheme 2023. Collection method: clinical testing. Allele origin: germline.